The following is an entry in ClinVar:

ClinVar aggregate classification (germline): Uncertain significance (1 of 4 stars; one submission).

Conditions:
Hydrocephalus, nonsyndromic, autosomal recessive 1 (HYC1). Also called: Congenital hydrocephalus 1; Hydrocephalus, nonsyndromic, autosomal recessive. Identifiers: Orphanet 2185, MedGen C3887608, MONDO:0009360, OMIM 236600.

gnomAD v4.1: 34 of 1,533,250 alleles (0.0022%); highest among the groups gnomAD compares: Non-Finnish European, 0.0025%; no homozygotes.

Submission:

Myriad Genetics, Inc.
Classification: Uncertain significance for Hydrocephalus, nonsyndromic, autosomal recessive 1. Last evaluated: 2026-03-18. Review status: criteria provided, single submitter. Criteria: Myriad Autosomal Dominant, Autosomal Recessive and X-Linked Classification Criteria (2023). Collection method: clinical testing. Allele origin: unknown.
Comment: NM_001080414.3(CCDC88C):c.5348G>A(R1783Q) is a missense variant classified as a variant of uncertain significance in the context of congenital hydrocephalus, CCDC88C-related. R1783Q has not been observed in cases with relevant disease. Relevant functional assessments of this variant are not available in the literature. R1783Q has been observed in referenced population frequency databases. In summary, there is insufficient evidence to classify NM_001080414.3(CCDC88C):c.5348G>A(R1783Q) as pathogenic or benign. Please note: this variant was assessed in the context of healthy population screening.

NM_001080414.4(CCDC88C):c.5348G>A (p.Arg1783Gln)

Gene: CCDC88C (coiled-coil and HOOK domain protein 88C; minus strand). Cytogenetic location: 14q32.11.
Variant type: single nucleotide variant.
Coding change: c.5348G>A on transcript NM_001080414.4 (MANE Select); coding-DNA position 5348, G replaced by A.
Protein change: p.Arg1783Gln; replaces arginine 1783 with glutamine.
Molecular consequence: missense variant. On other transcripts: non-coding transcript variant (2).
Genome position (GRCh38, 1-based): chr14:91,273,364, C>T on the plus strand (G>A on the coding strand, the complement: CCDC88C is on the minus strand). VCF-style: chr14-91273364-C-T. GRCh37 (hg19) VCF-style: chr14-91739708-C-T.
Other names: short protein forms R1783Q.
Identifiers: ClinVar variation 5003914 (VCV005003914.1).
Genomic context (GRCh38, chr14:91,273,364, plus strand): 5'-CGGCTCAAGGAGGCACTGCGGCTGGCAGGTGCATGGGAAGCTGGGGGCACCGGAGCCTGC[C>T]GGGGTCTGCCCAGAGACAGGCTCTGGGGAGGCTGGGCCTGTCTCGGGGCCACGCTGGGTG-3'
Protein context (NP_001073883.2, residues 1773-1793): PPQSLSLGRP[Arg1783Gln]QAPVPPASHA